The following is an entry in ClinVar:

ClinVar aggregate classification (germline): Uncertain significance (1 of 4 stars; one submission).

Submission:

Labcorp Genetics (formerly Invitae), Labcorp
Classification: Uncertain significance. Last evaluated: 2025-03-17. Review status: criteria provided, single submitter. Criteria: Invitae Variant Classification Sherloc (09022015). Collection method: clinical testing. Allele origin: germline.
Comment: This sequence change creates a premature translational stop signal (p.Leu512Serfs*6) in the NIN gene. It is expected to result in an absent or disrupted protein product. However, the current clinical and genetic evidence is not sufficient to establish whether loss-of-function variants in NIN cause disease. This variant is not present in population databases (gnomAD no frequency). This variant has not been reported in the literature in individuals affected with NIN-related conditions. In summary, the available evidence is currently insufficient to determine the role of this variant in disease. Therefore, it has been classified as a Variant of Uncertain Significance.

NM_020921.4(NIN):c.1533_1534del (p.Leu512fs)

Gene: NIN (ninein; minus strand). Cytogenetic location: 14q22.1.
Variant type: Microsatellite.
Coding change: c.1533_1534del on transcript NM_020921.4 (MANE Select); coding-DNA positions 1533 to 1534, 2 bases deleted (GT; older notation c.1533_1534delGT).
Protein change: p.Leu512fs; shifts the reading frame from leucine 512.
Molecular consequence: frameshift variant.
Genome position (GRCh38, 1-based): chr14:50,766,791-50,766,792, AC deleted on the plus strand (GT on the coding strand, the reverse complement: NIN is on the minus strand); deleting any 2 consecutive bases within chr14:50,766,791-50,766,795 gives the same sequence; the c. name uses the placement nearest the transcript's 3' end. VCF-style (leftmost placement, unchanged base first): chr14-50766790-AAC-A. GRCh37 (hg19) VCF-style: chr14-51233508-AAC-A.
Other names: c.1533_1534del, p.Leu512fs (NM_016350.5, NM_182944.3, NM_182946.2); short protein forms L512fs.
Identifiers: ClinVar variation 2825509 (VCV002825509.3), dbSNP rs2506001175, ClinGen allele CA2739278835.